The following is an entry in ClinVar:

ClinVar aggregate classification (germline): Uncertain significance (1 of 4 stars; one submission).

Conditions:
Hereditary cancer-predisposing syndrome. Also called: Neoplastic Syndromes, Hereditary; Tumor predisposition; Hereditary Cancer Syndrome; Hereditary neoplastic syndrome. Identifiers: Orphanet 140162, MedGen C0027672, MeSH D009386, MONDO:0015356.

Submission:

Ambry Genetics
Classification: Uncertain significance for Hereditary cancer-predisposing syndrome. Last evaluated: 2026-02-20. Review status: criteria provided, single submitter. Criteria: Ambry Variant Classification Scheme 2023. Collection method: clinical testing. Allele origin: germline.
Comment: The p.A1016D variant (also known as c.3047C>A), located in coding exon 4 of the MSH6 gene, results from a C to A substitution at nucleotide position 3047. The alanine at codon 1016 is replaced by aspartic acid, an amino acid with dissimilar properties. This amino acid position is conserved. In addition, the in silico prediction for this alteration is inconclusive. Based on the available evidence, the clinical significance of this variant remains unclear.

NM_000179.3(MSH6):c.3047C>A (p.Ala1016Asp)

Gene: MSH6 (mutS homolog 6; plus strand). Cytogenetic location: 2p16.3.
Variant type: single nucleotide variant.
Coding change: c.3047C>A on transcript NM_000179.3 (MANE Select); coding-DNA position 3047, C replaced by A.
Protein change: p.Ala1016Asp; replaces alanine 1016 with aspartic acid.
Molecular consequence: missense variant. On other transcripts: non-coding transcript variant (5), intron variant (2).
Genome position (GRCh38, 1-based): chr2:47,801,030, C>A. VCF-style: chr2-47801030-C-A. GRCh37 (hg19) VCF-style: chr2-48028169-C-A.
Other names: c.2141C>A, p.Ala714Asp (NM_001281494.2, NM_001406815.1, NM_001406816.1 and 6 more transcripts); c.3143C>A, p.Ala1048Asp (NM_001406795.1, NM_001406802.1); c.3047C>A, p.Ala1016Asp (NM_001406796.1, NM_001406798.1, NM_001406800.1 and 2 more transcripts); c.2750C>A, p.Ala917Asp (NM_001406797.1, NM_001406801.1, NM_001406818.1 and 10 more transcripts); c.2522C>A, p.Ala841Asp (NM_001406799.1, NM_001406806.1, NM_001406807.1); c.2969C>A, p.Ala990Asp (NM_001406804.1); c.2308+739C>A (NM_001406803.1); c.1606+1441C>A (NM_001406817.1); and 4 more; short protein forms A331D, A960D, A990D, A1048D, A714D, A1016D, A1018D, A841D.
Identifiers: ClinVar variation 4825277 (VCV004825277.1).